The following is an entry in ClinVar:

ClinVar aggregate classification (germline): Benign (1 of 4 stars; one submission).

Conditions:
Familial adenomatous polyposis 1 (FAP1). Also called: FAMILIAL ADENOMATOUS POLYPOSIS 1, ATTENUATED; POLYPOSIS, ADENOMATOUS INTESTINAL. Identifiers: MedGen C2713442, MONDO:0021056, OMIM 175100. Disease mechanism: loss of function.

Submission:

Myriad Genetics, Inc.
Classification: Benign for Familial adenomatous polyposis 1. Last evaluated: 2024-04-09. Review status: criteria provided, single submitter. Criteria: Myriad Autosomal Dominant, Autosomal Recessive and X-Linked Classification Criteria (2023). Collection method: clinical testing. Allele origin: unknown.
Comment: This variant is considered benign. This variant is a silent/synonymous amino acid change and it is not expected to impact splicing.

NM_000038.6(APC):c.7407T>G (p.Ser2469=)

Gene: APC (APC regulator of Wnt signaling pathway; plus strand). Cytogenetic location: 5q22.2.
Variant type: single nucleotide variant.
Coding change: c.7407T>G on transcript NM_000038.6 (MANE Select); coding-DNA position 7407, T replaced by G.
Protein change: p.Ser2469=; no amino-acid change (serine 2469 retained).
Molecular consequence: synonymous variant. On other transcripts: non-coding transcript variant (2).
Genome position (GRCh38, 1-based): chr5:112,843,001, T>G. VCF-style: chr5-112843001-T-G. GRCh37 (hg19) VCF-style: chr5-112178698-T-G.
Other names: c.7407T>G, p.Ser2469= (NM_001127510.3, NM_001354895.2, NM_001407450.1); c.7353T>G, p.Ser2451= (NM_001127511.3); c.7461T>G, p.Ser2487= (NM_001354896.2, NM_001407447.1, NM_001407448.1 and 1 more transcripts); c.7437T>G, p.Ser2479= (NM_001354897.2); c.7332T>G, p.Ser2444= (NM_001354898.2); c.7323T>G, p.Ser2441= (NM_001354899.2); c.7284T>G, p.Ser2428= (NM_001354900.2); c.7230T>G, p.Ser2410= (NM_001354901.2, NM_001407453.1); and 11 more.
Identifiers: ClinVar variation 3254093 (VCV003254093.1), dbSNP rs1282202968.